The following is an entry in ClinVar:

NM_004168.4(SDHA):c.442G>A (p.Ala148Thr)

Gene: SDHA (succinate dehydrogenase complex flavoprotein subunit A; plus strand). Cytogenetic location: 5p15.33.
Variant type: single nucleotide variant.
Coding change: c.442G>A on transcript NM_004168.4 (MANE Select); coding-DNA position 442, G replaced by A.
Protein change: p.Ala148Thr; replaces alanine 148 with threonine.
Molecular consequence: missense variant. On other transcripts: intron variant (1).
Genome position (GRCh38, 1-based): chr5:225,548, G>A. VCF-style: chr5-225548-G-A. GRCh37 (hg19) VCF-style: chr5-225663-G-A.
Other names: c.442G>A, p.Ala148Thr (NM_001330758.2); c.313-335G>A (NM_001294332.2); short protein forms A148T.
Identifiers: ClinVar variation 239668 (VCV000239668.26), dbSNP rs375576259, ClinGen allele CA3172820.

ClinVar aggregate classification (germline): Conflicting classifications of pathogenicity. Review status: criteria provided, conflicting classifications (1 of 4 stars). 11 submissions from 9 submitters: Uncertain significance (10); Benign (1). Last evaluated 2026-06-29.

Conditions:
SDHA-related disorder. Also called: SDHA-related disorders; SDHA-related condition.
Pheochromocytoma/paraganglioma syndrome 5. Also called: Paragangliomas 5; SDHA-Related Hereditary Paraganglioma-Pheochromocytoma Syndrome. Identifiers: Orphanet 29072, MedGen C3279992, MONDO:0013602, OMIM 614165.
Mitochondrial complex II deficiency, nuclear type 1. Also called: SUCCINATE CoQ REDUCTASE DEFICIENCY. Identifiers: Orphanet 3208, MedGen C5700310, MONDO:0100294, OMIM 252011.
Dilated cardiomyopathy 1GG (CMD1GG). Identifiers: Orphanet 154, MedGen C3150898, MONDO:0013339, OMIM 613642.
Neurodegeneration with ataxia and late-onset optic atrophy. Identifiers: MedGen C5543254, MONDO:0031006, OMIM 619259.
Hereditary cancer-predisposing syndrome. Also called: Neoplastic Syndromes, Hereditary; Hereditary neoplastic syndrome; Hereditary Cancer Syndrome; Tumor predisposition. Identifiers: Orphanet 140162, MedGen C0027672, MeSH D009386, MONDO:0015356.
Leigh syndrome (NULS). Also called: Leigh Disease; Leigh Syndrome (mtDNA deletion); Subacute necrotizing encephalopathy; Necrotizing encephalopathy infantile subacute of Leigh; LEIGH SYNDROME, NUCLEAR; Leigh's syndrome. Identifiers: Orphanet 506, MedGen C2931891, MONDO:0009723, OMIM 256000.
Hereditary pheochromocytoma and paraganglioma. Also called: Hereditary Paraganglioma-Pheochromocytoma Syndromes; Hereditary pheochromocytoma-paraganglioma; Hereditary paragangliomas and pheochromocytomas. Identifiers: Orphanet 29072, MedGen C4274332, MONDO:0017366.

Allele frequency attached by ClinVar (database versions not stated): gnomAD exomes 0.00002 and 0.00004; ExAC 0.00003; gnomAD 0.00005 and 0.00008; TOPMed 0.00012; ESP Exome Variant Server 0.00023.
gnomAD v4.1: 46 of 1,613,728 alleles (0.0029%); highest among the groups gnomAD compares: African/African-American, 0.024%; no homozygotes.

Submissions (11):

PreventionGenetics, part of Exact Sciences
Classification: Uncertain significance for SDHA-related condition. Last evaluated: 2026-06-29. Review status: criteria provided, single submitter. Criteria: ACMG Guidelines, 2015. Collection method: clinical testing. Allele origin: germline.
Comment: The SDHA c.442G>A variant is predicted to result in the amino acid substitution p.Ala148Thr. To our knowledge, this variant has not been reported in the literature in individuals with SDHA-related conditions. This variant is reported in 0.029% of alleles in individuals of Ashkenazi Jewish descent in gnomAD. This variant has conflicting interpretations in ClinVar ranging from uncertain to benign (Variation ID: 239668). At this time, the clinical significance of this variant is uncertain due to the absence of conclusive functional and genetic evidence.

Labcorp Genetics (formerly Invitae), Labcorp
Classification: Uncertain significance for Pheochromocytoma/paraganglioma syndrome 5; Mitochondrial complex II deficiency, nuclear type 1. Last evaluated: 2026-02-03. Review status: criteria provided, single submitter. Criteria: Invitae Variant Classification Sherloc (09022015). Collection method: clinical testing. Allele origin: germline.
Comment: This sequence change replaces alanine, which is neutral and non-polar, with threonine, which is neutral and polar, at codon 148 of the SDHA protein (p.Ala148Thr). This variant is present in population databases (rs375576259, gnomAD 0.03%). This variant has not been reported in the literature in individuals affected with SDHA-related conditions. ClinVar contains an entry for this variant (Variation ID: 239668). Invitae Evidence Modeling of protein sequence and biophysical properties (such as structural, functional, and spatial information, amino acid conservation, physicochemical variation, residue mobility, and thermodynamic stability) indicates that this missense variant is not expected to disrupt SDHA protein function with a negative predictive value of 95%. In summary, the available evidence is currently insufficient to determine the role of this variant in disease. Therefore, it has been classified as a Variant of Uncertain Significance.

Ambry Genetics
Classification: Uncertain significance for Hereditary cancer-predisposing syndrome. Last evaluated: 2025-03-06. Review status: criteria provided, single submitter. Criteria: Ambry Variant Classification Scheme 2023. Collection method: clinical testing. Allele origin: germline.
Comment: The p.A148T variant (also known as c.442G>A), located in coding exon 4 of the SDHA gene, results from a G to A substitution at nucleotide position 442. The alanine at codon 148 is replaced by threonine, an amino acid with similar properties. This amino acid position is well conserved in available vertebrate species. In addition, this alteration is predicted to be tolerated by in silico analysis. Since supporting evidence is limited at this time, the clinical significance of this alteration remains unclear.

Women's Health and Genetics/Laboratory Corporation of America, LabCorp
Classification: Uncertain significance. Last evaluated: 2024-11-26. Review status: criteria provided, single submitter. Criteria: LabCorp Variant Classification Summary - May 2015. Collection method: clinical testing. Allele origin: germline.
Comment: Variant summary: SDHA c.442G>A (p.Ala148Thr) results in a non-conservative amino acid change in the encoded protein sequence. Three of five in-silico tools predict a benign effect of the variant on protein function. The variant allele was found at a frequency of 3.6e-05 in 250084 control chromosomes. The available data on variant occurrences in the general population are insufficient to allow any conclusion about variant significance. c.442G>A has been reported in the literature in one individual affected with Upper Tract Urothelial Carcinoma With Suspected Lynch Syndrome, without strong evidence for causality (Guan_2022). These report(s) do not provide unequivocal conclusions about association of the variant with Neurodegeneration With Ataxia And Late-Onset Optic Atrophy. To our knowledge, no experimental evidence demonstrating an impact on protein function has been reported. The following publication has been ascertained in the context of this evaluation (PMID: 35372080). ClinVar contains an entry for this variant (Variation ID: 239668). Based on the evidence outlined above, the variant was classified as uncertain significance.

GeneDx
Classification: Uncertain significance. Last evaluated: 2024-04-05. Review status: criteria provided, single submitter. Criteria: GeneDx Variant Classification Process June 2021. Collection method: clinical testing. Allele origin: germline. Affected: yes.
Comment: In silico analysis indicates that this missense variant does not alter protein structure/function; Has not been previously published as pathogenic or benign to our knowledge

Fulgent Genetics
Classification: Uncertain significance for Mitochondrial complex II deficiency, nuclear type 1; Dilated cardiomyopathy 1GG; Pheochromocytoma/paraganglioma syndrome 5; Neurodegeneration with ataxia and late-onset optic atrophy. Last evaluated: 2024-03-08. Review status: criteria provided, single submitter. Criteria: ACMG Guidelines, 2015. Collection method: clinical testing. Allele origin: germline.

Quest Diagnostics Nichols Institute San Juan Capistrano
Classification: Uncertain significance. Last evaluated: 2023-09-20. Review status: criteria provided, single submitter. Criteria: Quest Diagnostics criteria. Collection method: clinical testing. Allele origin: unknown.
Comment: To the best of our knowledge, this variant has not been reported in the published literature. The frequency of this variant in the general population, 0.00029 (3/10328 chromosomes in Ashkenazi Jewish subpopulation (Genome Aggregation Database)), is higher than would generally be expected for pathogenic variants in this gene. Analysis of this variant using bioinformatics tools for the prediction of the effect of amino acid changes on protein structure and function yielded predictions that this variant is benign. Based on the available information, we are unable to determine the clinical significance of this variant.

Baylor Genetics
Classification: Uncertain significance for Dilated cardiomyopathy 1GG. Last evaluated: 2023-09-18. Review status: criteria provided, single submitter. Criteria: ACMG Guidelines, 2015. Collection method: clinical testing. Allele origin: unknown.

Illumina Laboratory Services, Illumina
Classification: Uncertain significance for Leigh syndrome. Last evaluated: 2018-01-12. Review status: criteria provided, single submitter. Criteria: ICSL Variant Classification Criteria 13 December 2019. Collection method: clinical testing. Allele origin: germline.

Illumina Laboratory Services, Illumina
Classification: Benign for Hereditary Paraganglioma-Pheochromocytoma Syndromes. Last evaluated: 2018-01-12. Review status: criteria provided, single submitter. Criteria: ICSL Variant Classification Criteria 13 December 2019. Collection method: clinical testing. Allele origin: germline.
Comment: This variant was observed in the ICSL laboratory as part of a predisposition screen in an ostensibly healthy population. It had not been previously curated by ICSL or reported in the Human Gene Mutation Database (HGMD: prior to June 1st, 2018), and was therefore a candidate for classification through an automated scoring system. Utilizing variant allele frequency, disease prevalence and penetrance estimates, and inheritance mode, an automated score was calculated to assess if this variant is too frequent to cause the disease. Based on the score and internal cut-off values, a variant classified as benign is not then subjected to further curation. The score for this variant resulted in a classification of benign for this disease.

Illumina Laboratory Services, Illumina
Classification: Uncertain significance for Mitochondrial complex II deficiency, nuclear type 1. Last evaluated: 2018-01-12. Review status: criteria provided, single submitter. Criteria: ICSL Variant Classification Criteria 13 December 2019. Collection method: clinical testing. Allele origin: germline.

Literature cited by the submitters: PubMed 35372080 (cited by Women's Health and Genetics/Laboratory Corporation of America, LabCorp).